The following is an entry in ClinVar:

ClinVar aggregate classification (germline): Likely benign. Review status: criteria provided, multiple submitters, no conflicts (2 of 4 stars). 9 submissions from 9 submitters: Likely benign (5). 4 of the submissions do not count toward it. Last evaluated 2026-01-28.

Conditions:
Alport syndrome. Also called: Hemorrhagic familial nephritis; Hemorrhagic hereditary nephritis; Congenital hereditary hematuria. Identifiers: Orphanet 63, MedGen C1567741, MONDO:0018965.

Allele frequency attached by ClinVar (database versions not stated): TOPMed 0.00053; gnomAD 0.00055 and 0.00058; ESP Exome Variant Server 0.00058.
gnomAD v4.1: 1,346 of 1,614,006 alleles (0.083%); highest among the groups gnomAD compares: Non-Finnish European, 0.1%; 2 homozygotes.

Submissions (9):

Labcorp Genetics (formerly Invitae), Labcorp
Classification: Likely benign. Last evaluated: 2026-01-28. Review status: criteria provided, single submitter. Criteria: Invitae Variant Classification Sherloc (09022015). Collection method: clinical testing. Allele origin: germline.

Blueprint Genetics
Classification: Likely benign. Last evaluated: 2024-11-22. Review status: criteria provided, single submitter. Criteria: ACMG Guidelines, 2015. Collection method: clinical testing. Allele origin: germline.

Athena Diagnostics
Classification: Likely benign. Last evaluated: 2019-03-11. Review status: criteria provided, single submitter. Criteria: Athena Diagnostics Criteria. Collection method: clinical testing. Allele origin: germline.

GeneDx
Classification: Likely benign. Last evaluated: 2018-03-13. Review status: criteria provided, single submitter. Criteria: GeneDx Variant Classification (06012015). Collection method: clinical testing. Allele origin: germline. Affected: yes.
Comment: This variant is considered likely benign or benign based on one or more of the following criteria: it is a conservative change, it occurs at a poorly conserved position in the protein, it is predicted to be benign by multiple in silico algorithms, and/or has population frequency not consistent with disease.

Laboratory for Molecular Medicine, Mass General Brigham Personalized Medicine
Classification: Likely benign. Last evaluated: 2017-08-23. Review status: criteria provided, single submitter. Criteria: LMM Criteria. Collection method: clinical testing. Allele origin: germline. Observed: 1 variant allele.
Comment: p.Thr1498Thr in exon 49 of COL4A3: This variant is not expected to have clinical significance because it does not alter an amino acid residue and is not located within the splice consensus sequence. It has been identified in 0.09% (63/66720 ) of European chromosomes by the Exome Aggregation Consortium (ExAC .; dbSNP rs200454769).

Natera, Inc.
Classification: Likely benign for Alport syndrome. Last evaluated: 2020-09-16. Review status: no assertion criteria provided. Collection method: clinical testing. Allele origin: germline. Not counted in ClinVar's aggregate classification.

Clinical Genetics DNA and cytogenetics Diagnostics Lab, Erasmus MC, Erasmus Medical Center
Classification: Likely benign. Review status: no assertion criteria provided. Collection method: clinical testing. Allele origin: germline. Affected: yes. Study: VKGL Data-share Consensus. Not counted in ClinVar's aggregate classification.

Genome Diagnostics Laboratory, University Medical Center Utrecht
Classification: Likely benign. Review status: no assertion criteria provided. Collection method: clinical testing. Allele origin: germline. Affected: yes. Study: VKGL Data-share Consensus. Not counted in ClinVar's aggregate classification.

Joint Genome Diagnostic Labs from Nijmegen and Maastricht, Radboudumc and MUMC+
Classification: Likely benign. Review status: no assertion criteria provided. Collection method: clinical testing. Allele origin: germline. Affected: yes. Study: VKGL Data-share Consensus. Not counted in ClinVar's aggregate classification.

Literature cited by the submitters: PubMed 28632965 (cited by Athena Diagnostics).

NM_000091.5(COL4A3):c.4494C>G (p.Thr1498=)

Genes: COL4A3 (collagen type IV alpha 3 chain; plus strand), MFF-DT (MFF divergent transcript; minus strand). Cytogenetic location: 2q36.3.
Variant type: single nucleotide variant.
Coding change: c.4494C>G on transcript NM_000091.5 (MANE Select); coding-DNA position 4494, C replaced by G.
Protein change: p.Thr1498=; no amino-acid change (threonine 1498 retained).
Molecular consequence: synonymous variant.
Genome position (GRCh38, 1-based): chr2:227,308,930, C>G. VCF-style: chr2-227308930-C-G. GRCh37 (hg19) VCF-style: chr2-228173646-C-G.
Identifiers: ClinVar variation 334785 (VCV000334785.25), dbSNP rs200454769, ClinGen allele CA2147565.